The following is an entry in ClinVar:

ClinVar aggregate classification (germline): Uncertain significance (0 of 4 stars; one submission).

Conditions:
IFT74-related disorder. Also called: IFT74-related condition; IFT74-Related Disorders.

gnomAD v4.1: 1 of 1,596,084 alleles (0.000063%); highest among the groups gnomAD compares: Admixed American, 0.0017%; no homozygotes.

Submission:

PreventionGenetics, part of Exact Sciences
Classification: Uncertain significance for IFT74-related condition. Last evaluated: 2024-09-23. Review status: no assertion criteria provided. Collection method: clinical testing. Allele origin: germline.
Comment: The IFT74 c.1224A>T variant is predicted to result in the amino acid substitution p.Glu408Asp. To our knowledge, this variant has not been reported in the literature or in a large population database, indicating this variant is rare. At this time, the clinical significance of this variant is uncertain due to the absence of conclusive functional and genetic evidence.

NM_025103.4(IFT74):c.1224A>T (p.Glu408Asp)

Gene: IFT74 (intraflagellar transport 74; plus strand). Cytogenetic location: 9p21.2.
Variant type: single nucleotide variant.
Coding change: c.1224A>T on transcript NM_025103.4 (MANE Select); coding-DNA position 1224, A replaced by T.
Protein change: p.Glu408Asp; replaces glutamic acid 408 with aspartic acid.
Molecular consequence: missense variant.
Genome position (GRCh38, 1-based): chr9:27,048,165, A>T. VCF-style: chr9-27048165-A-T. GRCh37 (hg19) VCF-style: chr9-27048163-A-T.
Other names: c.1224A>T, p.Glu408Asp (NM_001099222.3, NM_001099223.3, NM_001349928.2); short protein forms E408D.
Identifiers: ClinVar variation 3353979 (VCV003353979.1).
Genomic context (GRCh38, chr9:27,048,165, plus strand): 5'-AATCAGTGGATTTTTTTCTATTTTTATTTCTCTGCAAATGCAGAATATAAATCGTATAGA[A>T]CAGATATCCTCTATCACCAATCAAGAGCTAAAGATGATGCAGGATGACCTCAATTTTAAA-3'
Protein context (NP_079379.2, residues 398-418): EHCSRNINRI[Glu408Asp]QISSITNQEL